The following is an entry in ClinVar:

ClinVar aggregate classification (germline): Uncertain significance (1 of 4 stars; one submission).

Conditions:
Amyotrophic lateral sclerosis-parkinsonism-dementia complex. Also called: AMYOTROPHIC LATERAL SCLEROSIS-PARKINSONISM/DEMENTIA COMPLEX 1; GUAM DISEASE. Identifiers: Orphanet 90020, MedGen C0543859, MONDO:0007104, OMIM 105500.

gnomAD v4.1: 3 of 1,538,296 alleles (0.0002%); highest among the groups gnomAD compares: Admixed American, 0.0022%; no homozygotes.

Submission:

Juno Genomics, Hangzhou Juno Genomics, Inc
Classification: Uncertain significance for Amyotrophic lateral sclerosis-parkinsonism-dementia complex. Review status: criteria provided, single submitter. Criteria: ACMG Guidelines, 2015. Collection method: clinical testing. Allele origin: germline.
Comment: Absent from controls (or at extremely low frequency if recessive) in Genome Aggregation Database.;Multiple lines of computational evidence support a deleterious effect on the gene or gene product.

NM_017672.6(TRPM7):c.4324+1G>A

Gene: TRPM7 (transient receptor potential cation channel subfamily M member 7; minus strand). Cytogenetic location: 15q21.2.
Variant type: single nucleotide variant.
Coding change: c.4324+1G>A on transcript NM_017672.6 (MANE Select); the canonical splice donor site of the intron after coding-DNA position 4324, G replaced by A.
Molecular consequence: splice donor variant.
Genome position (GRCh38, 1-based): chr15:50,591,910, C>T on the plus strand (G>A on the coding strand, the complement: TRPM7 is on the minus strand). VCF-style: chr15-50591910-C-T. GRCh37 (hg19) VCF-style: chr15-50884107-C-T.
Other names: c.4324+1G>A (NM_001301212.2).
Identifiers: ClinVar variation 5005428 (VCV005005428.2).